The following is an entry in ClinVar:

ClinVar aggregate classification (germline): Uncertain significance (1 of 4 stars; one submission).

Conditions:
Inborn genetic diseases. Identifiers: MedGen C0950123, MeSH D030342.

Submission:

Ambry Genetics
Classification: Uncertain significance for Inborn genetic diseases. Last evaluated: 2024-06-11. Review status: criteria provided, single submitter. Criteria: Ambry Variant Classification Scheme 2023. Collection method: clinical testing. Allele origin: germline.
Comment: The p.T597K variant (also known as c.1790C>A), located in coding exon 12 of the EPAS1 gene, results from a C to A substitution at nucleotide position 1790. The threonine at codon 597 is replaced by lysine, an amino acid with similar properties. This amino acid position is conserved. In addition, this alteration is predicted to be tolerated by in silico analysis. Based on the available evidence, the clinical significance of this variant remains unclear.

NM_001430.5(EPAS1):c.1790C>A (p.Thr597Lys)

Gene: EPAS1 (endothelial PAS domain protein 1; plus strand). Cytogenetic location: 2p21.
Variant type: single nucleotide variant.
Coding change: c.1790C>A on transcript NM_001430.5 (MANE Select); coding-DNA position 1790, C replaced by A.
Protein change: p.Thr597Lys; replaces threonine 597 with lysine.
Molecular consequence: missense variant.
Genome position (GRCh38, 1-based): chr2:46,380,462, C>A. VCF-style: chr2-46380462-C-A. GRCh37 (hg19) VCF-style: chr2-46607601-C-A.
Other names: short protein forms T597K.
Identifiers: ClinVar variation 3275736 (VCV003275736.1).